The following is an entry in ClinVar:

NM_003201.3(TFAM):c.673G>A (p.Val225Ile)

Gene: TFAM (transcription factor A, mitochondrial; plus strand). Cytogenetic location: 10q21.1.
Variant type: single nucleotide variant.
Coding change: c.673G>A on transcript NM_003201.3 (MANE Select); coding-DNA position 673, G replaced by A.
Protein change: p.Val225Ile; replaces valine 225 with isoleucine.
Molecular consequence: missense variant. On other transcripts: non-coding transcript variant (1).
Genome position (GRCh38, 1-based): chr10:58,395,006, G>A. VCF-style: chr10-58395006-G-A. GRCh37 (hg19) VCF-style: chr10-60154766-G-A.
Other names: c.577G>A, p.Val193Ile (NM_001270782.2); short protein forms V193I, V225I.
Identifiers: ClinVar variation 2863185 (VCV002863185.3), dbSNP rs748258782, ClinGen allele CA377059739.

ClinVar aggregate classification (germline): Uncertain significance (1 of 4 stars; one submission).

Submission:

Labcorp Genetics (formerly Invitae), Labcorp
Classification: Uncertain significance. Last evaluated: 2024-10-14. Review status: criteria provided, single submitter. Criteria: Invitae Variant Classification Sherloc (09022015). Collection method: clinical testing. Allele origin: germline.
Comment: This sequence change replaces valine, which is neutral and non-polar, with isoleucine, which is neutral and non-polar, at codon 225 of the TFAM protein (p.Val225Ile). This variant is not present in population databases (gnomAD no frequency). This variant has not been reported in the literature in individuals affected with TFAM-related conditions. An algorithm developed to predict the effect of missense changes on protein structure and function outputs the following: PolyPhen-2: "Benign". The isoleucine amino acid residue is found in multiple mammalian species, which suggests that this missense change does not adversely affect protein function. In summary, the available evidence is currently insufficient to determine the role of this variant in disease. Therefore, it has been classified as a Variant of Uncertain Significance.